The following is an entry in ClinVar:

NM_014249.4(NR2E3):c.970A>G (p.Lys324Glu)

Gene: NR2E3 (nuclear receptor subfamily 2 group E member 3; plus strand). Cytogenetic location: 15q23.
Variant type: single nucleotide variant.
Coding change: c.970A>G on transcript NM_014249.4 (MANE Select); coding-DNA position 970, A replaced by G.
Protein change: p.Lys324Glu; replaces lysine 324 with glutamic acid.
Molecular consequence: missense variant.
Genome position (GRCh38, 1-based): chr15:71,813,611, A>G. VCF-style: chr15-71813611-A-G. GRCh37 (hg19) VCF-style: chr15-72105952-A-G.
Other names: c.970A>G, p.Lys324Glu (NM_016346.4); short protein forms K324E.
Identifiers: ClinVar variation 2061331 (VCV002061331.4), dbSNP rs997546344, ClinGen allele CA272575674.

ClinVar aggregate classification (germline): Uncertain significance (1 of 4 stars; one submission).

Allele frequency attached by ClinVar (database versions not stated): gnomAD exomes below 0.00001; TOPMed below 0.00001; gnomAD 0.00001.
gnomAD v4.1: 2 of 1,613,776 alleles (0.00012%); highest among the groups gnomAD compares: Non-Finnish European, 0.00017%; no homozygotes.

Submission:

Labcorp Genetics (formerly Invitae), Labcorp
Classification: Uncertain significance. Last evaluated: 2022-04-24. Review status: criteria provided, single submitter. Criteria: Invitae Variant Classification Sherloc (09022015). Collection method: clinical testing. Allele origin: germline.
Comment: In summary, the available evidence is currently insufficient to determine the role of this variant in disease. Therefore, it has been classified as a Variant of Uncertain Significance. This variant has not been reported in the literature in individuals affected with NR2E3-related conditions. This variant is not present in population databases (gnomAD no frequency). This sequence change replaces lysine, which is basic and polar, with glutamic acid, which is acidic and polar, at codon 324 of the NR2E3 protein (p.Lys324Glu).